The following is an entry in ClinVar:

NM_001039469.3(MARK2):c.530_531del (p.Lys177fs)

Gene: MARK2 (microtubule affinity regulating kinase 2; plus strand). Cytogenetic location: 11q13.1.
Variant type: Deletion.
Coding change: c.530_531del on transcript NM_001039469.3 (MANE Select); coding-DNA positions 530 to 531, 2 bases deleted (AG; older notation c.530_531delAG).
Protein change: p.Lys177fs; shifts the reading frame from lysine 177.
Molecular consequence: frameshift variant.
Genome position (GRCh38, 1-based): chr11:63,899,107-63,899,108, AG deleted. VCF-style (leftmost placement, unchanged base first): chr11-63899106-AAG-A. GRCh37 (hg19) VCF-style: chr11-63666578-AAG-A.
Other names: c.530_531del, p.Lys177fs (NM_001163296.2, NM_001163297.2, NM_004954.5); c.431_432del, p.Lys144fs (NM_017490.4); short protein forms K144fs, K177fs.
Identifiers: ClinVar variation 3378080 (VCV003378080.1).

ClinVar aggregate classification (germline): Uncertain significance (1 of 4 stars; one submission).

Submission:

GeneDx
Classification: Uncertain significance. Last evaluated: 2023-07-11. Review status: criteria provided, single submitter. Criteria: GeneDx Variant Classification Process June 2021. Collection method: clinical testing. Allele origin: germline. Affected: yes.
Comment: Not observed at significant frequency in large population cohorts (gnomAD); Frameshift variant predicted to result in protein truncation or nonsense mediated decay in a gene or region of a gene for which loss of function is not a well-established mechanism of disease; Has not been previously published as pathogenic or benign to our knowledge; Variants in candidate genes are classified as variants of uncertain significance in accordance with ACMG guidelines (Richards et al., 2015)